The following is an entry in ClinVar:

NM_032043.3(BRIP1):c.2399A>T (p.Tyr800Phe)

Gene: BRIP1 (BRCA1 interacting DNA helicase 1; minus strand). Cytogenetic location: 17q23.2.
Variant type: single nucleotide variant.
Coding change: c.2399A>T on transcript NM_032043.3 (MANE Select); coding-DNA position 2399, A replaced by T.
Protein change: p.Tyr800Phe; replaces tyrosine 800 with phenylalanine.
Molecular consequence: missense variant.
Genome position (GRCh38, 1-based): chr17:61,716,044, T>A on the plus strand (A>T on the coding strand, the complement: BRIP1 is on the minus strand). VCF-style: chr17-61716044-T-A. GRCh37 (hg19) VCF-style: chr17-59793405-T-A.
Other names: short protein forms Y800F.
Identifiers: ClinVar variation 4630954 (VCV004630954.1).
Genomic context (GRCh38, chr17:61,716,044, plus strand): 5'-TGAATTTCATACCACTGACGGCCAGGTAGAAGACCTCTCAATTTTGAATGGTGGTCATTG[T>A]ATTGTCGTTTTAGTTCAACCTAATAATTTTAAAATATATTTAAAAAATTAGTAGATAATT-3'
Protein context (NP_114432.2, residues 790-810): KDLQVELKRQ[Tyr800Phe]NDHHSKLRGL

ClinVar aggregate classification (germline): Uncertain significance (1 of 4 stars; one submission).

Conditions:
Hereditary cancer-predisposing syndrome. Also called: Neoplastic Syndromes, Hereditary; Tumor predisposition; Hereditary Cancer Syndrome; Hereditary neoplastic syndrome. Identifiers: Orphanet 140162, MedGen C0027672, MeSH D009386, MONDO:0015356.

Submission:

Ambry Genetics
Classification: Uncertain significance for Hereditary cancer-predisposing syndrome. Last evaluated: 2025-10-16. Review status: criteria provided, single submitter. Criteria: Ambry Variant Classification Scheme 2023. Collection method: clinical testing. Allele origin: germline.
Comment: The p.Y800F variant (also known as c.2399A>T), located in coding exon 16 of the BRIP1 gene, results from an A to T substitution at nucleotide position 2399. The tyrosine at codon 800 is replaced by phenylalanine, an amino acid with highly similar properties. This amino acid position is conserved. In addition, the in silico prediction for this alteration is inconclusive. Based on the available evidence, the clinical significance of this variant remains unclear.